The following is an entry in ClinVar:

ClinVar aggregate classification (germline): Uncertain significance. Review status: criteria provided, multiple submitters, no conflicts (2 of 4 stars). 2 submissions from 2 submitters: Uncertain significance (2). Last evaluated 2025-08-14.

Conditions:
Fanconi anemia (FA). Also called: Fanconi's anemia. Identifiers: Orphanet 84, MedGen C0015625, MeSH D005199, MONDO:0019391.

gnomAD v4.1: 16 of 1,613,734 alleles (0.00099%); highest among the groups gnomAD compares: South Asian, 0.013%; no homozygotes.

Submissions (2):

Labcorp Genetics (formerly Invitae), Labcorp
Classification: Uncertain significance for Fanconi anemia. Last evaluated: 2025-08-14. Review status: criteria provided, single submitter. Criteria: Invitae Variant Classification Sherloc (09022015). Collection method: clinical testing. Allele origin: germline.
Comment: This sequence change replaces proline, which is neutral and non-polar, with alanine, which is neutral and non-polar, at codon 577 of the FANCA protein (p.Pro577Ala). This variant is present in population databases (rs774227985, gnomAD 0.01%). This missense change has been observed in individual(s) with with male infertility (PMID: 35366911). Invitae Evidence Modeling of protein sequence and biophysical properties (such as structural, functional, and spatial information, amino acid conservation, physicochemical variation, residue mobility, and thermodynamic stability) indicates that this missense variant is not expected to disrupt FANCA protein function with a negative predictive value of 95%. In summary, the available evidence is currently insufficient to determine the role of this variant in disease. Therefore, it has been classified as a Variant of Uncertain Significance.

Blueprint Genetics
Classification: Uncertain significance. Last evaluated: 2020-03-23. Review status: criteria provided, single submitter. Criteria: ACMG Guidelines, 2015. Collection method: clinical testing. Allele origin: germline.

Literature cited by the submitters: PubMed 35366911 (cited by Labcorp Genetics (formerly Invitae), Labcorp).

NM_000135.4(FANCA):c.1729C>G (p.Pro577Ala)

Gene: FANCA (FA complementation group A; minus strand). Cytogenetic location: 16q24.3.
Variant type: single nucleotide variant.
Coding change: c.1729C>G on transcript NM_000135.4 (MANE Select); coding-DNA position 1729, C replaced by G.
Protein change: p.Pro577Ala; replaces proline 577 with alanine.
Molecular consequence: missense variant.
Genome position (GRCh38, 1-based): chr16:89,778,990, G>C on the plus strand (C>G on the coding strand, the complement: FANCA is on the minus strand). VCF-style: chr16-89778990-G-C. GRCh37 (hg19) VCF-style: chr16-89845398-G-C.
Other names: c.1729C>G, p.Pro577Ala (NM_001286167.3); short protein forms P577A.
Identifiers: ClinVar variation 4745031 (VCV004745031.2).